The following is an entry in ClinVar:

NM_000051.4(ATM):c.1420_1423delinsTCTGAC (p.Ser475fs)

Gene: ATM (ATM serine/threonine kinase; plus strand). Cytogenetic location: 11q22.3.
Variant type: Indel.
Coding change: c.1420_1423delinsTCTGAC on transcript NM_000051.4 (MANE Select); coding-DNA positions 1420 to 1423, AGCT replaced by TCTGAC.
Protein change: p.Ser475fs; shifts the reading frame from serine 475.
Molecular consequence: frameshift variant.
Genome position (GRCh38, 1-based): chr11:108,250,885-108,250,888, AGCT replaced by TCTGAC. VCF-style: chr11-108250885-AGCT-TCTGAC. GRCh37 (hg19) VCF-style: chr11-108121612-AGCT-TCTGAC.
Other names: c.1420_1423delinsTCTGAC, p.Ser475fs (NM_001351834.2); c.1420_1423delAGCTinsTCTGAC (NM_000051.3); short protein forms S475fs.
Identifiers: ClinVar variation 970021 (VCV000970021.8), dbSNP rs2080105212, ClinGen allele CA1139662153.

ClinVar aggregate classification (germline): Pathogenic. Review status: criteria provided, multiple submitters, no conflicts (2 of 4 stars). 2 submissions from 2 submitters: Pathogenic (2). Last evaluated 2020-01-14.

Conditions:
Ataxia-telangiectasia syndrome (AT). Also called: ATAXIA-TELANGIECTASIA, FRESNO VARIANT; Ataxia-telangiectasia, complementation group E; Ataxia telangiectasia (A-T); LOUIS-BAR SYNDROME; Ataxia-telangiectasia, complementation group D; AT, COMPLEMENTATION GROUP C. Identifiers: Orphanet 100, MedGen C0004135, MONDO:0008840, OMIM 208900.
Hereditary cancer-predisposing syndrome. Also called: Hereditary neoplastic syndrome; Hereditary Cancer Syndrome; Tumor predisposition; Neoplastic Syndromes, Hereditary. Identifiers: Orphanet 140162, MedGen C0027672, MeSH D009386, MONDO:0015356.

Submissions (2):

Ambry Genetics
Classification: Pathogenic for Hereditary cancer-predisposing syndrome. Last evaluated: 2020-01-14. Review status: criteria provided, single submitter. Criteria: Ambry Variant Classification Scheme 2023. Collection method: clinical testing. Allele origin: germline.
Comment: The c.1420_1423delAGCTinsTCTGAC pathogenic mutation, located in coding exon 9 of the ATM gene, results from the deletion of 4 nucleotides and insertion of 6 nucleotides causing a translational frameshift with a predicted alternate stop codon (p.S475Dfs*8). This alteration is expected to result in loss of function by premature protein truncation or nonsense-mediated mRNA decay. As such, this alteration is interpreted as a disease-causing mutation.

Labcorp Genetics (formerly Invitae), Labcorp
Classification: Pathogenic for Ataxia-telangiectasia syndrome. Last evaluated: 2019-05-15. Review status: criteria provided, single submitter. Criteria: Invitae Variant Classification Sherloc (09022015). Collection method: clinical testing. Allele origin: germline.
Comment: For these reasons, this variant has been classified as Pathogenic. Loss-of-function variants in ATM are known to be pathogenic (PMID: 23807571, 25614872). This sequence change creates a premature translational stop signal (p.Ser475Aspfs*8) in the ATM gene. It is expected to result in an absent or disrupted protein product. This variant is not present in population databases (ExAC no frequency). This variant has not been reported in the literature in individuals with ATM-related conditions.

Literature cited by the submitters: PubMed 23807571 (cited by Labcorp Genetics (formerly Invitae), Labcorp); PubMed 25614872 (cited by Labcorp Genetics (formerly Invitae), Labcorp).